The following is an entry in ClinVar:

NM_001164508.2(NEB):c.2111G>A (p.Ser704Asn)

Gene: NEB (nebulin; minus strand). Cytogenetic location: 2q23.3.
Variant type: single nucleotide variant.
Coding change: c.2111G>A on transcript NM_001164508.2 (MANE Select); coding-DNA position 2111, G replaced by A.
Protein change: p.Ser704Asn; replaces serine 704 with asparagine.
Molecular consequence: missense variant.
Genome position (GRCh38, 1-based): chr2:151,691,964, C>T on the plus strand (G>A on the coding strand, the complement: NEB is on the minus strand). VCF-style: chr2-151691964-C-T. GRCh37 (hg19) VCF-style: chr2-152548478-C-T.
Other names: c.2111G>A, p.Ser704Asn (NM_001164507.2, NM_001271208.2, NM_004543.5); short protein forms S704N.
Identifiers: ClinVar variation 2193838 (VCV002193838.1), dbSNP rs1418587568, ClinGen allele CA348823755.

ClinVar aggregate classification (germline): Uncertain significance (1 of 4 stars; one submission).

Conditions:
Nemaline myopathy 2 (NEM2). Also called: Nemaline myopathy 2, autosomal recessive. Identifiers: MedGen C1850569, MONDO:0009725, OMIM 256030.

Allele frequency attached by ClinVar (database versions not stated): TOPMed below 0.00001.

Submission:

Labcorp Genetics (formerly Invitae), Labcorp
Classification: Uncertain significance for Nemaline myopathy 2. Last evaluated: 2022-09-01. Review status: criteria provided, single submitter. Criteria: Invitae Variant Classification Sherloc (09022015). Collection method: clinical testing. Allele origin: germline.
Comment: This sequence change replaces serine, which is neutral and polar, with asparagine, which is neutral and polar, at codon 704 of the NEB protein (p.Ser704Asn). This variant is not present in population databases (gnomAD no frequency). This variant has not been reported in the literature in individuals affected with NEB-related conditions. Algorithms developed to predict the effect of missense changes on protein structure and function output the following: SIFT: "Tolerated"; PolyPhen-2: "Not Available"; Align-GVGD: "Class C0". The asparagine amino acid residue is found in multiple mammalian species, which suggests that this missense change does not adversely affect protein function. In summary, the available evidence is currently insufficient to determine the role of this variant in disease. Therefore, it has been classified as a Variant of Uncertain Significance.